The following is an entry in ClinVar:

ClinVar aggregate classification (germline): Uncertain significance (1 of 4 stars; one submission).

gnomAD v4.1: 2 of 1,569,578 alleles (0.00013%); highest among the groups gnomAD compares: Non-Finnish European, 0.00017%; no homozygotes.

Submission:

Labcorp Genetics (formerly Invitae), Labcorp
Classification: Uncertain significance. Last evaluated: 2025-07-09. Review status: criteria provided, single submitter. Criteria: Invitae Variant Classification Sherloc (09022015). Collection method: clinical testing. Allele origin: germline.
Comment: This sequence change replaces leucine, which is neutral and non-polar, with phenylalanine, which is neutral and non-polar, at codon 164 of the MKL1 protein (p.Leu164Phe). This variant is not present in population databases (gnomAD no frequency). This variant has not been reported in the literature in individuals affected with MKL1-related conditions. An algorithm developed to predict the effect of missense changes on protein structure and function (PolyPhen-2) suggests that this variant is likely to be tolerated. In summary, the available evidence is currently insufficient to determine the role of this variant in disease. Therefore, it has been classified as a Variant of Uncertain Significance.

NM_020831.6(MRTFA):c.790C>T (p.Leu264Phe)

Gene: MRTFA (myocardin related transcription factor A; minus strand). Cytogenetic location: 22q13.1.
Variant type: single nucleotide variant.
Coding change: c.790C>T on transcript NM_020831.6 (MANE Select); coding-DNA position 790, C replaced by T.
Protein change: p.Leu264Phe; replaces leucine 264 with phenylalanine.
Molecular consequence: missense variant. On other transcripts: intron variant (1).
Genome position (GRCh38, 1-based): chr22:40,423,673, G>A on the plus strand (C>T on the coding strand, the complement: MRTFA is on the minus strand). VCF-style: chr22-40423673-G-A. GRCh37 (hg19) VCF-style: chr22-40819677-G-A.
Other names: c.490C>T, p.Leu164Phe (NM_001282660.2); c.790C>T, p.Leu264Phe (NM_001282662.3); c.595C>T, p.Leu199Phe (NM_001318139.2); c.777+533C>T (NM_001282661.3); short protein forms L164F, L199F, L264F.
Identifiers: ClinVar variation 4800290 (VCV004800290.1).